The following is an entry in ClinVar:

ClinVar aggregate classification (germline): Pathogenic (1 of 4 stars; one submission).

Submission:

Labcorp Genetics (formerly Invitae), Labcorp
Classification: Pathogenic. Last evaluated: 2020-01-09. Review status: criteria provided, single submitter. Criteria: Invitae Variant Classification Sherloc (09022015). Collection method: clinical testing. Allele origin: germline.
Comment: Donor and acceptor splice site variants typically lead to a loss of protein function (PMID: 16199547), and loss-of-function variants in TRIP12 are known to be pathogenic (PMID: 27848077, 28251352). For these reasons, this variant has been classified as Pathogenic. Algorithms developed to predict the effect of sequence changes on RNA splicing suggest that this variant may disrupt the consensus splice site, but this prediction has not been confirmed by published transcriptional studies. Disruption of this splice site has been observed in individual(s) with clinical features of TRIP12-related conditions (PMID: 28251352). In at least one individual the variant was observed to be de novo. This variant is not present in population databases (ExAC no frequency). This sequence change affects a donor splice site in intron 25 of the TRIP12 gene. It is expected to disrupt RNA splicing and likely results in an absent or disrupted protein product.

Literature cited by the submitters: PubMed 16199547; PubMed 27848077; PubMed 28251352.

NM_001348323.3(TRIP12):c.3968+1G>T

Gene: TRIP12 (thyroid hormone receptor interactor 12; minus strand). Cytogenetic location: 2q36.3.
Variant type: single nucleotide variant.
Coding change: c.3968+1G>T on transcript NM_001348323.3 (MANE Select); the canonical splice donor site of the intron after coding-DNA position 3968, G replaced by T.
Molecular consequence: splice donor variant.
Genome position (GRCh38, 1-based): chr2:229,795,178, C>A on the plus strand (G>T on the coding strand, the complement: TRIP12 is on the minus strand). VCF-style: chr2-229795178-C-A. GRCh37 (hg19) VCF-style: chr2-230659894-C-A.
Other names: c.2933+1G>T (NM_001284216.2); c.3743+1G>T (NM_004238.3); c.3761+1G>T (NM_001348331.1); c.3842+1G>T (NM_001348317.1, NM_001284215.2, NM_001348316.2 and 1 more transcripts); c.3881+1G>T (NM_001348332.1); c.3887+1G>T (NM_001284214.2, NM_001348315.2); c.3968+1G>T (NM_001348319.1, NM_001348322.1, NM_001348324.2 and 4 more transcripts); c.3890+1G>T (NM_001348333.1); and 1 more.
Identifiers: ClinVar variation 1070789 (VCV001070789.10), dbSNP rs1553612358, ClinGen allele CA350902888.